The following is an entry in ClinVar:

ClinVar aggregate classification (germline): Likely benign (1 of 4 stars; one submission).

gnomAD v4.1: 1 of 740,197 alleles (0.00014%); highest among the groups gnomAD compares: Non-Finnish European, 0.00016%; no homozygotes.

Submission:

CeGaT Center for Human Genetics Tuebingen
Classification: Likely benign. Last evaluated: 2026-07-01. Review status: criteria provided, single submitter. Criteria: CeGaT Center For Human Genetics Tuebingen Variant Classification Criteria Version 2. Collection method: clinical testing. Allele origin: germline. Affected: yes. Observed: 1 variant allele.
Comment: ARX: BP4, BP7

NM_139058.3(ARX):c.333G>A (p.Ala111=)

Genes: ARX (aristaless related homeobox; minus strand), LOC109610631 (aristaless related homeobox polyalanine expansion region; plus strand). Cytogenetic location: Xp21.3.
Variant type: single nucleotide variant.
Coding change: c.333G>A on transcript NM_139058.3 (MANE Select); coding-DNA position 333, G replaced by A.
Protein change: p.Ala111=; no amino-acid change (alanine 111 retained).
Molecular consequence: synonymous variant.
Genome position (GRCh38, 1-based): chrX:25,013,662, C>T on the plus strand (G>A on the coding strand, the complement: ARX is on the minus strand). VCF-style: chrX-25013662-C-T. GRCh37 (hg19) VCF-style: chrX-25031779-C-T.
Identifiers: ClinVar variation 5038784 (VCV005038784.1).